The following is an entry in ClinVar:

ClinVar aggregate classification (germline): Likely benign. Review status: criteria provided, multiple submitters, no conflicts (2 of 4 stars). 2 submissions from 2 submitters: Likely benign (2). Last evaluated 2025-12-14.

Conditions:
Glycogen storage disease IXd (GSD9D). Also called: Muscle Phosphorylase Kinase Deficiency; GSD IXd. Identifiers: Orphanet 715, MedGen C1845151, MONDO:0010362, OMIM 300559.

Allele frequency attached by ClinVar (database versions not stated): gnomAD exomes below 0.00001; TOPMed 0.00001; gnomAD 0.00002.
gnomAD v4.1: 3 of 1,150,563 alleles (0.00026%); highest among the groups gnomAD compares: African/African-American, 0.0053%; no homozygotes.

Submissions (2):

Labcorp Genetics (formerly Invitae), Labcorp
Classification: Likely benign for Glycogen storage disease IXd. Last evaluated: 2025-12-14. Review status: criteria provided, single submitter. Criteria: Invitae Variant Classification Sherloc (09022015). Collection method: clinical testing. Allele origin: germline.

GeneDx
Classification: Likely benign. Last evaluated: 2018-03-30. Review status: criteria provided, single submitter. Criteria: GeneDx Variant Classification (06012015). Collection method: clinical testing. Allele origin: germline. Affected: yes.
Comment: This variant is considered likely benign or benign based on one or more of the following criteria: it is a conservative change, it occurs at a poorly conserved position in the protein, it is predicted to be benign by multiple in silico algorithms, and/or has population frequency not consistent with disease.

NM_002637.4(PHKA1):c.3498+7A>G

Gene: PHKA1 (phosphorylase kinase regulatory subunit alpha 1; minus strand). Cytogenetic location: Xq13.1.
Variant type: single nucleotide variant.
Coding change: c.3498+7A>G on transcript NM_002637.4 (MANE Select); 7 bases into the intron after coding-DNA position 3498, A replaced by G.
Molecular consequence: intron variant.
Genome position (GRCh38, 1-based): chrX:72,582,391, T>C on the plus strand (A>G on the coding strand, the complement: PHKA1 is on the minus strand). VCF-style: chrX-72582391-T-C. GRCh37 (hg19) VCF-style: chrX-71802241-T-C.
Other names: c.3282+7A>G (NM_001172436.2); c.3459+7A>G (NM_001122670.2).
Identifiers: ClinVar variation 681488 (VCV000681488.2), dbSNP rs1234378255, ClinGen allele CA642504284.